The following is an entry in ClinVar:

ClinVar aggregate classification (germline): Uncertain significance. Review status: criteria provided, multiple submitters, no conflicts (2 of 4 stars). 3 submissions from 3 submitters: Uncertain significance (3). Last evaluated 2024-12-17.

Conditions:
Cardiovascular phenotype. Identifiers: MedGen CN230736.

Allele frequency attached by ClinVar (database versions not stated): gnomAD exomes below 0.00001.
gnomAD v4.1: 6 of 1,502,044 alleles (0.0004%); highest among the groups gnomAD compares: East Asian, 0.0028%; no homozygotes.

Submissions (3):

Labcorp Genetics (formerly Invitae), Labcorp
Classification: Uncertain significance. Last evaluated: 2024-12-17. Review status: criteria provided, single submitter. Criteria: Invitae Variant Classification Sherloc (09022015). Collection method: clinical testing. Allele origin: germline.
Comment: This sequence change replaces arginine, which is basic and polar, with glutamine, which is neutral and polar, at codon 239 of the ALPK3 protein (p.Arg239Gln). This variant is not present in population databases (gnomAD no frequency). This variant has not been reported in the literature in individuals affected with ALPK3-related conditions. ClinVar contains an entry for this variant (Variation ID: 2449110). An algorithm developed to predict the effect of missense changes on protein structure and function (PolyPhen-2) suggests that this variant is likely to be disruptive. In summary, the available evidence is currently insufficient to determine the role of this variant in disease. Therefore, it has been classified as a Variant of Uncertain Significance.

GeneDx
Classification: Uncertain significance. Last evaluated: 2023-10-24. Review status: criteria provided, single submitter. Criteria: GeneDx Variant Classification Process June 2021. Collection method: clinical testing. Allele origin: germline. Affected: yes.
Comment: Not observed at significant frequency in large population cohorts (gnomAD); In silico analysis supports that this missense variant does not alter protein structure/function; Has not been previously published as pathogenic or benign to our knowledge

Ambry Genetics
Classification: Uncertain significance for Cardiovascular phenotype. Last evaluated: 2023-01-23. Review status: criteria provided, single submitter. Criteria: Ambry Variant Classification Scheme 2023. Collection method: clinical testing. Allele origin: germline.
Comment: The p.R239Q variant (also known as c.716G>A), located in coding exon 1 of the ALPK3 gene, results from a G to A substitution at nucleotide position 716. The arginine at codon 239 is replaced by glutamine, an amino acid with highly similar properties. This amino acid position is conserved. In addition, this alteration is predicted to be tolerated by in silico analysis. Since supporting evidence is limited at this time, the clinical significance of this alteration remains unclear.

NM_020778.5(ALPK3):c.110G>A (p.Arg37Gln)

Gene: ALPK3 (alpha kinase 3; plus strand). Cytogenetic location: 15q25.3.
Variant type: single nucleotide variant.
Coding change: c.110G>A on transcript NM_020778.5 (MANE Select); coding-DNA position 110, G replaced by A.
Protein change: p.Arg37Gln; replaces arginine 37 with glutamine.
Molecular consequence: missense variant.
Genome position (GRCh38, 1-based): chr15:84,817,562, G>A. VCF-style: chr15-84817562-G-A. GRCh37 (hg19) VCF-style: chr15-85360793-G-A.
Other names: short protein forms R37Q.
Identifiers: ClinVar variation 2449110 (VCV002449110.6), dbSNP rs1270510310, ClinGen allele CA393369506.